The following is an entry in ClinVar:

ClinVar aggregate classification (germline): Benign. Review status: reviewed by expert panel (3 of 4 stars). 2 submissions from 2 submitters: Benign (1). 1 of the submissions does not count toward it. Last evaluated 2015-01-12.

Conditions:
Breast-ovarian cancer, familial, susceptibility to, 2 (BROVCA2). Also called: BRCA2 Hereditary Breast and Ovarian Cancer. Identifiers: Orphanet 145, MedGen C2675520, MONDO:0012933, OMIM 612555. Disease mechanism: loss of function.

Allele frequency attached by ClinVar (database versions not stated): 1000 Genomes Project 0.00599; 1000 Genomes Project 30x 0.00718; gnomAD 0.00808 and 0.00873; TOPMed 0.00933.
gnomAD v4.1: 1,203 of 150,160 alleles (0.8%); highest among the groups gnomAD compares: African/African-American, 2.7%; 20 homozygotes.

Submissions (2):

Evidence-based Network for the Interpretation of Germline Mutant Alleles (ENIGMA)
Classification: Benign for Breast-ovarian cancer, familial 2. Last evaluated: 2015-01-12. Review status: reviewed by expert panel. Criteria: ENIGMA BRCA1/2 Classification Criteria (2015). Collection method: curation. Allele origin: germline.
Comment: Class 1 not pathogenic based on frequency >1% in an outbred sampleset. Frequency 0.01423 (African), derived from 1000 genomes (2012-04-30).

GeneDx
Classification: Likely benign. Last evaluated: 2019-08-13. Review status: criteria provided, single submitter. Criteria: GeneDx Variant Classification Process June 2021. Collection method: clinical testing. Allele origin: germline. Affected: yes. Not counted in ClinVar's aggregate classification.

NM_000059.4(BRCA2):c.7436-191T>A

Gene: BRCA2 (BRCA2 DNA repair associated; plus strand). Cytogenetic location: 13q13.1.
Variant type: single nucleotide variant.
Coding change: c.7436-191T>A on transcript NM_000059.4 (MANE Select); 191 bases into the intron before coding-DNA position 7436, T replaced by A.
Molecular consequence: intron variant.
Genome position (GRCh38, 1-based): chr13:32,356,237, T>A. VCF-style: chr13-32356237-T-A. GRCh37 (hg19) VCF-style: chr13-32930374-T-A.
Other names: IVS 14-191T>A.
Identifiers: ClinVar variation 209755 (VCV000209755.3), dbSNP rs183906314, ClinGen allele CA276723.